The following is an entry in ClinVar:

ClinVar aggregate classification (germline): Uncertain significance (1 of 4 stars; one submission).

Conditions:
Hereditary cancer-predisposing syndrome. Also called: Tumor predisposition; Hereditary neoplastic syndrome; Hereditary Cancer Syndrome; Neoplastic Syndromes, Hereditary. Identifiers: Orphanet 140162, MedGen C0027672, MeSH D009386, MONDO:0015356.

Submission:

Ambry Genetics
Classification: Uncertain significance for Hereditary cancer-predisposing syndrome. Last evaluated: 2023-09-16. Review status: criteria provided, single submitter. Criteria: Ambry Variant Classification Scheme 2023. Collection method: clinical testing. Allele origin: germline.
Comment: The p.L189R variant (also known as c.566T>G), located in coding exon 1 of the ALK gene, results from a T to G substitution at nucleotide position 566. The leucine at codon 189 is replaced by arginine, an amino acid with dissimilar properties. This amino acid position is conserved. In addition, this alteration is predicted to be deleterious by in silico analysis. Since supporting evidence is limited at this time, the clinical significance of this alteration remains unclear.

NM_004304.5(ALK):c.566T>G (p.Leu189Arg)

Gene: ALK (ALK receptor tyrosine kinase; minus strand). Cytogenetic location: 2p23.1.
Variant type: single nucleotide variant.
Coding change: c.566T>G on transcript NM_004304.5 (MANE Select); coding-DNA position 566, T replaced by G.
Protein change: p.Leu189Arg; replaces leucine 189 with arginine.
Molecular consequence: missense variant.
Genome position (GRCh38, 1-based): chr2:29,920,094, A>C on the plus strand (T>G on the coding strand, the complement: ALK is on the minus strand). VCF-style: chr2-29920094-A-C. GRCh37 (hg19) VCF-style: chr2-30142960-A-C.
Other names: short protein forms L189R.
Identifiers: ClinVar variation 3223917 (VCV003223917.1), dbSNP rs2148442979, ClinGen allele CA346589785.